The following is an entry in ClinVar:

ClinVar aggregate classification (germline): Uncertain significance (1 of 4 stars; one submission).

gnomAD v4.1: 3 of 1,613,946 alleles (0.00019%); highest among the groups gnomAD compares: African/African-American, 0.0027%; no homozygotes.

Submission:

Women's Health and Genetics/Laboratory Corporation of America, LabCorp
Classification: Uncertain significance. Last evaluated: 2024-12-17. Review status: criteria provided, single submitter. Criteria: LabCorp Variant Classification Summary - May 2015. Collection method: clinical testing. Allele origin: germline.
Comment: Variant summary: SETD5 c.2588C>T (p.Ser863Leu) results in a non-conservative amino acid change in the encoded protein sequence. Three of five in-silico tools predict a damaging effect of the variant on protein function. The variant allele was found at a frequency of 8e-06 in 249260 control chromosomes. The available data on variant occurrences in the general population are insufficient to allow any conclusion about variant significance. To our knowledge, no occurrence of c.2588C>T in individuals affected with Mental Retardation, Autosomal Dominant 23 and no experimental evidence demonstrating its impact on protein function have been reported. No submitters have cited clinical-significance assessments for this variant to ClinVar. Based on the evidence outlined above, the variant was classified as uncertain significance.

NM_001080517.3(SETD5):c.2588C>T (p.Ser863Leu)

Gene: SETD5 (SET domain containing 5; plus strand). Cytogenetic location: 3p25.3.
Variant type: single nucleotide variant.
Coding change: c.2588C>T on transcript NM_001080517.3 (MANE Select); coding-DNA position 2588, C replaced by T.
Protein change: p.Ser863Leu; replaces serine 863 with leucine.
Molecular consequence: missense variant.
Genome position (GRCh38, 1-based): chr3:9,464,536, C>T. VCF-style: chr3-9464536-C-T. GRCh37 (hg19) VCF-style: chr3-9506220-C-T.
Other names: c.2294C>T, p.Ser765Leu (NM_001292043.2, NM_001349451.2); short protein forms S765L, S863L.
Identifiers: ClinVar variation 3768565 (VCV003768565.1).